The following is an entry in ClinVar:

ClinVar aggregate classification (germline): Uncertain significance. Review status: criteria provided, multiple submitters, no conflicts (2 of 4 stars). 3 submissions from 3 submitters: Uncertain significance (3). Last evaluated 2024-09-13.

Conditions:
Cardiovascular phenotype. Identifiers: MedGen CN230736.
Myofibrillar myopathy 4. Also called: Zaspopathy (type). Identifiers: Orphanet 98912, MedGen C4721886, MONDO:0012277, OMIM 609452.

Allele frequency attached by ClinVar (database versions not stated): gnomAD exomes below 0.00001 and 0.00001; gnomAD 0.00001 and 0.00002; TOPMed 0.00002; ESP Exome Variant Server 0.00008.
gnomAD v4.1: 9 of 1,613,032 alleles (0.00056%); highest among the groups gnomAD compares: South Asian, 0.0055%; no homozygotes.

Submissions (3):

Labcorp Genetics (formerly Invitae), Labcorp
Classification: Uncertain significance for Myofibrillar myopathy 4. Last evaluated: 2024-09-13. Review status: criteria provided, single submitter. Criteria: Invitae Variant Classification Sherloc (09022015). Collection method: clinical testing. Allele origin: germline.
Comment: The LDB3 gene has multiple clinically relevant transcripts. This variant occurs in alternate transcript NM_007078.3, and corresponds to NM_001080116.1:c.*7198C>T in the primary transcript. This sequence change replaces threonine, which is neutral and polar, with isoleucine, which is neutral and non-polar, at codon 313 of the LDB3 protein (p.Thr313Ile). This variant is present in population databases (rs367882377, gnomAD 0.01%). This variant has not been reported in the literature in individuals affected with LDB3-related conditions. Experimental studies and prediction algorithms are not available or were not evaluated, and the functional significance of this variant is currently unknown. In summary, the available evidence is currently insufficient to determine the role of this variant in disease. Therefore, it has been classified as a Variant of Uncertain Significance.

Ambry Genetics
Classification: Uncertain significance for Cardiovascular phenotype. Last evaluated: 2022-04-19. Review status: criteria provided, single submitter. Criteria: Ambry Variant Classification Scheme 2023. Collection method: clinical testing. Allele origin: germline.
Comment: The p.T313I variant (also known as c.938C>T), located in coding exon 7 of the LDB3 gene, results from a C to T substitution at nucleotide position 938. The threonine at codon 313 is replaced by isoleucine, an amino acid with similar properties. This amino acid position is conserved. In addition, this alteration is predicted to be tolerated by in silico analysis. Since supporting evidence is limited at this time, the clinical significance of this alteration remains unclear.

ARUP Laboratories, Molecular Genetics and Genomics, ARUP Laboratories
Classification: Uncertain significance. Last evaluated: 2022-02-08. Review status: criteria provided, single submitter. Criteria: ARUP Molecular Germline Variant Investigation Process 2021. Collection method: clinical testing. Allele origin: germline.
Comment: The LDB3 c.938C>T, p.Thr313Ile variant (rs367882377) is also known as c.*7198C>T for NM_001080116.1, and has not been reported in association with cardiomyopathy in the medical literature or in gene specific variation databases. This variant is found in an alternate transcript of LDB3 (NM_007078.3) that is not highly expressed in the heart (Genotype-Tissue Expression project). This variant is found in the South Asian population with an allele frequency of 0.01% (3/30594 alleles) in the Genome Aggregation Database. The threonine at codon 313 is weakly conserved, and computational analyses predict that this variant is neutral (REVEL: 0.075). However, given the lack of clinical and functional data, the significance of the p.Thr313Ile variant is uncertain at this time.

NM_007078.3(LDB3):c.938C>T (p.Thr313Ile)

Gene: LDB3 (LIM domain binding 3; plus strand). Cytogenetic location: 10q23.2.
Variant type: single nucleotide variant.
Coding change: c.938C>T on transcript NM_007078.3 (MANE Select); coding-DNA position 938, C replaced by T.
Protein change: p.Thr313Ile; replaces threonine 313 with isoleucine.
Molecular consequence: missense variant. On other transcripts: intron variant (4).
Genome position (GRCh38, 1-based): chr10:86,706,572, C>T. VCF-style: chr10-86706572-C-T. GRCh37 (hg19) VCF-style: chr10-88466329-C-T.
Other names: c.797C>T, p.Thr266Ile (NM_001368066.1); c.897-3333C>T (NM_001368064.1, NM_001368065.1); c.1101-3333C>T (NM_001171610.2); c.756-3333C>T (NM_001080114.2); short protein forms T266I, T313I.
Identifiers: ClinVar variation 1679472 (VCV001679472.10), dbSNP rs367882377, ClinGen allele CA211196320.